The following is an entry in ClinVar:

ClinVar aggregate classification (germline): Uncertain significance (1 of 4 stars; one submission).

Submission:

GeneDx
Classification: Uncertain significance. Last evaluated: 2021-12-30. Review status: criteria provided, single submitter. Criteria: GeneDx Variant Classification Process June 2021. Collection method: clinical testing. Allele origin: germline. Affected: yes.
Comment: Not observed at significant frequency in large population cohorts (Lek et al., 2016); In silico analysis supports that this missense variant has a deleterious effect on protein structure/function; Has not been previously published as pathogenic or benign to our knowledge; This variant is associated with the following publications: (PMID: 27535533)

NM_170682.4(P2RX2):c.143T>G (p.Val48Gly)

Gene: P2RX2 (purinergic receptor P2X 2; plus strand). Cytogenetic location: 12q24.33.
Variant type: single nucleotide variant.
Coding change: c.143T>G on transcript NM_170682.4 (MANE Select); coding-DNA position 143, T replaced by G.
Protein change: p.Val48Gly; replaces valine 48 with glycine.
Molecular consequence: missense variant. On other transcripts: intron variant (2).
Genome position (GRCh38, 1-based): chr12:132,618,959, T>G. VCF-style: chr12-132618959-T-G. GRCh37 (hg19) VCF-style: chr12-133195545-T-G.
Other names: c.143T>G, p.Val48Gly (NM_001282164.2, NM_001282165.2, NM_016318.4 and 2 more transcripts); c.105+38T>G (NM_012226.5, NM_174872.3); short protein forms V48G.
Identifiers: ClinVar variation 1329812 (VCV001329812.3), dbSNP rs2138343957, ClinGen allele CA387356949.